The following is an entry in ClinVar:

ClinVar aggregate classification (germline): Pathogenic (1 of 4 stars; one submission).

Submission:

Illumina Laboratory Services, Illumina
Classification: Pathogenic. Last evaluated: 2019-02-01. Review status: criteria provided, single submitter. Criteria: ICSL CNVClassificationCriteria Jul2020Prior. Collection method: clinical testing. Allele origin: unknown.
Comment: This CNV is an 18.8 Mb deletion of 4p16.3-p15.31, on chromosome 4, (seq[GRCh37]del(4)(p16.3p15.31); chr4:g:68598_18912995del), found in a de novo state. This CNV constitutes a loss encompassing more than 200 genes and overlaps the well-described Wolf Hirschhorn syndrome which has an estimated population prevalence of 1:20,000-50,000 and has been reported in many probands including 48 probands from a single study (Ho et al. 2016). Ho et al. (2016) found that 14 of the individuals studied had a second CNV in addition to the 4p deletion. The Wolf Hirschhorn syndrome is usually not inherited and is a de novo deletion. Common features of the syndrome include distinctive facial features including a broad, flat nasal bride and a high forehead often referred to as a "Greek warrior helmet". Other facial features include short philtrum, downturned mouth, micrognathia, and poorly formed ears with pits or tags. Microcephaly, developmental delay, growth delays, hypotonia, and seizures are often seen. Additional features in some patients include scoliosis, kyphosis, dental abnormalities, cleft palate and/or lip, and abnormalities of the eyes, heart, genitourinary tract, and brain. Individuals with smaller 4p deletions have been observed to have a milder phenotype than those with larger deletions (Ho et al. 2016) but both can have seizures. Similar CNVs have not been reported in controls. Based on the collective evidence, this CNV is classified as pathogenic.

Literature cited by the submitters: PubMed 26747863.

GRCh37/hg19 4p16.3-15.31(chr4:68598-18912995)x1

Genes: BST1 (bone marrow stromal cell antigen 1; plus strand), FAM53A (family with sequence similarity 53 member A; minus strand), FBXL5 (F-box and leucine rich repeat protein 5; minus strand), FGFBP1 (fibroblast growth factor binding protein 1; minus strand), FGFBP2 (fibroblast growth factor binding protein 2; minus strand) and 137 more. Cytogenetic location: 4p16.3-15.31.
Variant type: copy number loss.
Change: copy number 1 (one copy instead of two) of chr4:68,598-18,912,995 (18.84 Mb, GRCh37 coordinates, 1-based), cytogenetic band 4p16.3-15.31.
Identifiers: ClinVar variation 1180545 (VCV001180545.4).